The following is an entry in ClinVar:

ClinVar aggregate classification (germline): Uncertain significance. Review status: criteria provided, multiple submitters, no conflicts (2 of 4 stars). 2 submissions from 2 submitters: Uncertain significance (2). Last evaluated 2025-08-10.

Allele frequency attached by ClinVar (database versions not stated): ExAC 0.00002; gnomAD 0.00003 and 0.00004; gnomAD exomes 0.00003 and 0.00009; ESP Exome Variant Server 0.00008.
gnomAD v4.1: 139 of 1,611,554 alleles (0.0086%); highest among the groups gnomAD compares: Non-Finnish European, 0.011%; no homozygotes.

Submissions (2):

Labcorp Genetics (formerly Invitae), Labcorp
Classification: Uncertain significance. Last evaluated: 2025-08-10. Review status: criteria provided, single submitter. Criteria: Invitae Variant Classification Sherloc (09022015). Collection method: clinical testing. Allele origin: germline.
Comment: This sequence change replaces aspartic acid, which is acidic and polar, with asparagine, which is neutral and polar, at codon 55 of the GABRB1 protein (p.Asp55Asn). This variant is present in population databases (rs142160221, gnomAD 0.006%). This variant has not been reported in the literature in individuals affected with GABRB1-related conditions. ClinVar contains an entry for this variant (Variation ID: 1439092). Invitae Evidence Modeling of protein sequence and biophysical properties (such as structural, functional, and spatial information, amino acid conservation, physicochemical variation, residue mobility, and thermodynamic stability) indicates that this missense variant is not expected to disrupt GABRB1 protein function with a negative predictive value of 80%. In summary, the available evidence is currently insufficient to determine the role of this variant in disease. Therefore, it has been classified as a Variant of Uncertain Significance.

Ambry Genetics
Classification: Uncertain significance. Last evaluated: 2023-05-30. Review status: criteria provided, single submitter. Criteria: Ambry Variant Classification Scheme 2023. Collection method: clinical testing. Allele origin: germline.

NM_000812.4(GABRB1):c.163G>A (p.Asp55Asn)

Gene: GABRB1 (gamma-aminobutyric acid type A receptor subunit beta1; plus strand). Cytogenetic location: 4p12.
Variant type: single nucleotide variant.
Coding change: c.163G>A on transcript NM_000812.4 (MANE Select); coding-DNA position 163, G replaced by A.
Protein change: p.Asp55Asn; replaces aspartic acid 55 with asparagine.
Molecular consequence: missense variant.
Genome position (GRCh38, 1-based): chr4:47,031,996, G>A. VCF-style: chr4-47031996-G-A. GRCh37 (hg19) VCF-style: chr4-47034013-G-A.
Other names: c.163G>A (NM_000812.3); short protein forms D55N.
Identifiers: ClinVar variation 1439092 (VCV001439092.7), dbSNP rs142160221, ClinGen allele CA2907440.